The following is an entry in ClinVar:

NM_024675.4(PALB2):c.1488T>A (p.Asp496Glu)

Gene: PALB2 (partner and localizer of BRCA2; minus strand). Cytogenetic location: 16p12.2.
Variant type: single nucleotide variant.
Coding change: c.1488T>A on transcript NM_024675.4 (MANE Select); coding-DNA position 1488, T replaced by A.
Protein change: p.Asp496Glu; replaces aspartic acid 496 with glutamic acid.
Molecular consequence: missense variant.
Genome position (GRCh38, 1-based): chr16:23,635,058, A>T on the plus strand (T>A on the coding strand, the complement: PALB2 is on the minus strand). VCF-style: chr16-23635058-A-T. GRCh37 (hg19) VCF-style: chr16-23646379-A-T.
Other names: c.1428T>A, p.Asp476Glu (NM_001407296.1); c.1488T>A, p.Asp496Glu (NM_001407297.1, NM_001407298.1, NM_001407299.1 and 3 more transcripts); c.603T>A, p.Asp201Glu (NM_001407304.1, NM_001407305.1, NM_001407306.1 and 5 more transcripts); short protein forms D201E, D476E, D496E.
Identifiers: ClinVar variation 1719783 (VCV001719783.8), dbSNP rs1381339723, ClinGen allele CA395131106.

ClinVar aggregate classification (germline): Uncertain significance. Review status: criteria provided, multiple submitters, no conflicts (2 of 4 stars). 2 submissions from 2 submitters: Uncertain significance (2). Last evaluated 2022-09-19.

Conditions:
Hereditary cancer-predisposing syndrome. Also called: Hereditary neoplastic syndrome; Neoplastic Syndromes, Hereditary; Hereditary Cancer Syndrome; Tumor predisposition. Identifiers: Orphanet 140162, MedGen C0027672, MeSH D009386, MONDO:0015356.
Familial cancer of breast. Also called: BREAST CANCER, FAMILIAL; hereditary breast carcinoma; Hereditary breast cancer. Identifiers: Orphanet 227535, MedGen C0346153, MONDO:0016419, OMIM 114480. Disease mechanism: loss of function.

Submissions (2):

Labcorp Genetics (formerly Invitae), Labcorp
Classification: Uncertain significance for Familial cancer of breast. Last evaluated: 2022-09-19. Review status: criteria provided, single submitter. Criteria: Invitae Variant Classification Sherloc (09022015). Collection method: clinical testing. Allele origin: germline.
Comment: In summary, the available evidence is currently insufficient to determine the role of this variant in disease. Therefore, it has been classified as a Variant of Uncertain Significance. Algorithms developed to predict the effect of missense changes on protein structure and function are either unavailable or do not agree on the potential impact of this missense change (SIFT: "Tolerated"; PolyPhen-2: "Possibly Damaging"; Align-GVGD: "Class C0"). This variant has not been reported in the literature in individuals affected with PALB2-related conditions. This variant is not present in population databases (gnomAD no frequency). This sequence change replaces aspartic acid, which is acidic and polar, with glutamic acid, which is acidic and polar, at codon 496 of the PALB2 protein (p.Asp496Glu).

Ambry Genetics
Classification: Uncertain significance for Hereditary cancer-predisposing syndrome. Last evaluated: 2021-06-18. Review status: criteria provided, single submitter. Criteria: Ambry Variant Classification Scheme 2023. Collection method: clinical testing. Allele origin: germline.
Comment: The p.D496E variant (also known as c.1488T>A), located in coding exon 4 of the PALB2 gene, results from a T to A substitution at nucleotide position 1488. The aspartic acid at codon 496 is replaced by glutamic acid, an amino acid with highly similar properties. This amino acid position is conserved. In addition, this alteration is predicted to be tolerated by in silico analysis. Since supporting evidence is limited at this time, the clinical significance of this alteration remains unclear.